The following is an entry in ClinVar:

NM_018418.5(SPATA7):c.94+6T>G

Gene: SPATA7 (spermatogenesis associated 7; plus strand). Cytogenetic location: 14q31.3.
Variant type: single nucleotide variant.
Coding change: c.94+6T>G on transcript NM_018418.5 (MANE Select); 6 bases into the intron after coding-DNA position 94, T replaced by G.
Molecular consequence: intron variant.
Genome position (GRCh38, 1-based): chr14:88,391,461, T>G. VCF-style: chr14-88391461-T-G. GRCh37 (hg19) VCF-style: chr14-88857805-T-G.
Other names: c.94+6T>G (NM_001040428.4).
Identifiers: ClinVar variation 1895980 (VCV001895980.5), dbSNP rs1276389286, ClinGen allele CA615689491.
Genomic context (GRCh38, chr14:88,391,461, plus strand): 5'-CCCAGATATGGTCCACCGTGCCTATTTAAAGGACACTTGAGCACCAAAAGTAATGGTAAG[T>G]GAGGTGCTTAAAACGGCAGCTTTGTTAGAAGATTGTCTGAGTGTTTCCTTTACTGGCAAA-3'

ClinVar aggregate classification (germline): Uncertain significance (1 of 4 stars; one submission).

Conditions:
Leber congenital amaurosis 3 (LCA3). Also called: SPATA7-Related Retinitis Pigmentosa. Identifiers: MedGen C1858677, MONDO:0011415, OMIM 604232.

Allele frequency attached by ClinVar (database versions not stated): gnomAD exomes 0.00001.
gnomAD v4.1: 4 of 1,612,704 alleles (0.00025%); highest among the groups gnomAD compares: Admixed American, 0.0067%; no homozygotes.

Submission:

Labcorp Genetics (formerly Invitae), Labcorp
Classification: Uncertain significance for Leber congenital amaurosis 3. Last evaluated: 2022-06-26. Review status: criteria provided, single submitter. Criteria: Invitae Variant Classification Sherloc (09022015). Collection method: clinical testing. Allele origin: germline.
Comment: Variants that disrupt the consensus splice site are a relatively common cause of aberrant splicing (PMID: 17576681, 9536098). Algorithms developed to predict the effect of sequence changes on RNA splicing suggest that this variant may disrupt the consensus splice site. In summary, the available evidence is currently insufficient to determine the role of this variant in disease. Therefore, it has been classified as a Variant of Uncertain Significance. This variant has not been reported in the literature in individuals affected with SPATA7-related conditions. This variant is present in population databases (no rsID available, gnomAD 0.009%). This sequence change falls in intron 2 of the SPATA7 gene. It does not directly change the encoded amino acid sequence of the SPATA7 protein. It affects a nucleotide within the consensus splice site.

Literature cited by the submitters: PubMed 17576681; PubMed 9536098.